The following is an entry in ClinVar:

ClinVar aggregate classification (germline): Uncertain significance (1 of 4 stars; one submission).

Allele frequency attached by ClinVar (database versions not stated): gnomAD exomes below 0.00001; ExAC 0.00001; gnomAD 0.00001; TOPMed 0.00001.

Submission:

Labcorp Genetics (formerly Invitae), Labcorp
Classification: Uncertain significance. Last evaluated: 2022-07-19. Review status: criteria provided, single submitter. Criteria: Invitae Variant Classification Sherloc (09022015). Collection method: clinical testing. Allele origin: germline.
Comment: This sequence change replaces aspartic acid, which is acidic and polar, with asparagine, which is neutral and polar, at codon 445 of the MTHFD1 protein (p.Asp445Asn). This variant is present in population databases (rs779711462, gnomAD 0.007%). In summary, the available evidence is currently insufficient to determine the role of this variant in disease. Therefore, it has been classified as a Variant of Uncertain Significance. Algorithms developed to predict the effect of missense changes on protein structure and function are either unavailable or do not agree on the potential impact of this missense change (SIFT: "Deleterious"; PolyPhen-2: "Probably Damaging"; Align-GVGD: "Class C0"). ClinVar contains an entry for this variant (Variation ID: 1427689). This variant has not been reported in the literature in individuals affected with MTHFD1-related conditions.

NM_005956.4(MTHFD1):c.1333G>A (p.Asp445Asn)

Gene: MTHFD1 (methylenetetrahydrofolate dehydrogenase, cyclohydrolase and formyltetrahydrofolate synthetase 1; plus strand). Cytogenetic location: 14q23.3.
Variant type: single nucleotide variant.
Coding change: c.1333G>A on transcript NM_005956.4 (MANE Select); coding-DNA position 1333, G replaced by A.
Protein change: p.Asp445Asn; replaces aspartic acid 445 with asparagine.
Molecular consequence: missense variant.
Genome position (GRCh38, 1-based): chr14:64,431,553, G>A. VCF-style: chr14-64431553-G-A. GRCh37 (hg19) VCF-style: chr14-64898271-G-A.
Other names: c.1333G>A, p.Asp445Asn (NM_001364837.1); short protein forms D445N.
Identifiers: ClinVar variation 1427689 (VCV001427689.8), dbSNP rs779711462, ClinGen allele CA7226219.